The following is an entry in ClinVar:

NM_000338.3(SLC12A1):c.1522G>A (p.Ala508Thr)

Gene: SLC12A1 (solute carrier family 12 member 1; plus strand). Cytogenetic location: 15q21.1.
Variant type: single nucleotide variant.
Coding change: c.1522G>A on transcript NM_000338.3 (MANE Select); coding-DNA position 1522, G replaced by A.
Protein change: p.Ala508Thr; replaces alanine 508 with threonine.
Molecular consequence: missense variant.
Genome position (GRCh38, 1-based): chr15:48,246,978, G>A. VCF-style: chr15-48246978-G-A. GRCh37 (hg19) VCF-style: chr15-48539175-G-A.
Other names: c.1522G>A, p.Ala508Thr (NM_001184832.2); short protein forms A508T.
Identifiers: ClinVar variation 242488 (VCV000242488.13), dbSNP rs765347751, ClinGen allele CA351328.
Genomic context (GRCh38, chr15:48,246,978, plus strand): 5'-ATGGTATCAGGGTTCGGCCCCCTCATCACTGCGGGAATCTTTTCTGCAACACTCTCCTCC[G>A]CCCTGGCCTCCCTTGTCAGCGCACCCAAAGTGTTCCAGGTAATACAAGCACAACAGCTTG-3'
Protein context (NP_000329.2, residues 498-518): AGIFSATLSS[Ala508Thr]LASLVSAPKV

ClinVar aggregate classification (germline): Pathogenic/Likely pathogenic. Review status: criteria provided, multiple submitters, no conflicts (2 of 4 stars). 5 submissions from 5 submitters: Pathogenic (3); Likely pathogenic (2). Last evaluated 2026-08-06.

Conditions:
SLC12A1-related disorder. Also called: SLC12A1-related condition.
Bartter disease type 1. Also called: HYPOKALEMIC ALKALOSIS WITH HYPERCALCIURIA 1, ANTENATAL; Bartter Syndrome type 1; Bartter syndrome, type 1, antenatal; HYPERPROSTAGLANDIN E SYNDROME 1. Identifiers: Orphanet 112, Orphanet 620217, MedGen C1866495, MONDO:0100344, OMIM 601678, MONDO:0011127.

Allele frequency attached by ClinVar (database versions not stated): TOPMed 0.00003; gnomAD 0.00003; gnomAD exomes 0.00003; ExAC 0.00006.
gnomAD v4.1: 35 of 1,613,732 alleles (0.0022%); highest among the groups gnomAD compares: Non-Finnish European, 0.0029%; no homozygotes.

Submissions (5):

OLLIN Analises Genomicas, OLLIN
Classification: Pathogenic for Bartter disease type 1. Last evaluated: 2026-08-06. Review status: criteria provided, single submitter. Criteria: ACMG Guidelines 2015 PMID 25741868. Collection method: clinical testing. Allele origin: germline. Inheritance: Autosomal recessive inheritance.
Comment: This missense variant, located in exon 12 (of 27), has been reported in ClinVar (accession VCV000242488.10), in gnomAD with an allele frequency of 0.0022%, and in the scientific literature, in compound heterozygosity, in individuals with SLC12A1 related disorders (PMID: 12761241, 28000888, 20219833, 9585600, 25326637, 28095294). In silico analysis predicts that this variant has a deleterious effect. According to the currently available evidence, this variant has been classified as pathogenic (PS4, PM2_P, PM3, PP3_S).

Blueprint Genetics
Classification: Pathogenic for SLC12A1-related disorders. Last evaluated: 2024-07-15. Review status: criteria provided, single submitter. Criteria: ACMG Guidelines, 2015. Collection method: clinical testing. Allele origin: germline. Affected: yes. Observed: 5 variant alleles.

Labcorp Genetics (formerly Invitae), Labcorp
Classification: Pathogenic. Last evaluated: 2023-05-12. Review status: criteria provided, single submitter. Criteria: Invitae Variant Classification Sherloc (09022015). Collection method: clinical testing. Allele origin: germline.
Comment: ClinVar contains an entry for this variant (Variation ID: 242488). For these reasons, this variant has been classified as Pathogenic. Experimental studies have shown that this missense change affects SLC12A1 function (PMID: 12761241, 33973684). Advanced modeling of protein sequence and biophysical properties (such as structural, functional, and spatial information, amino acid conservation, physicochemical variation, residue mobility, and thermodynamic stability) performed at Invitae indicates that this missense variant is not expected to disrupt SLC12A1 protein function. This missense change has been observed in individual(s) with clinical features of Bartter syndrome type 1 (PMID: 9585600, 19096086, 20219833, 25326637, 28095294). In at least one individual the data is consistent with being in trans (on the opposite chromosome) from a pathogenic variant. This variant is present in population databases (rs765347751, gnomAD 0.005%). This sequence change replaces alanine, which is neutral and non-polar, with threonine, which is neutral and polar, at codon 508 of the SLC12A1 protein (p.Ala508Thr).

Athena Diagnostics
Classification: Likely pathogenic. Last evaluated: 2019-01-21. Review status: criteria provided, single submitter. Criteria: Athena Diagnostics Criteria. Collection method: clinical testing. Allele origin: germline.
Comment: The best available variant frequency is uninformative because it is below the disease allele frequency. Statistically enriched in patients compared to ethnically matched controls. Found in at least one symptomatic patient. Predicted to have a damaging effect on the protein. Results on protein functions were inconclusive.

Illumina Laboratory Services, Illumina
Classification: Likely pathogenic for Bartter disease type 1. Last evaluated: 2018-10-29. Review status: criteria provided, single submitter. Criteria: ICSL Variant Classification Criteria 09 May 2019. Collection method: clinical testing. Allele origin: germline.
Comment: The SLC12A1 c.1522G>A (p.Ala508Thr) variant has been reported in three studies and in a total of four unrelated patients with Bartter syndrome, including one in a homozygous state, two in a compound heterozygous state, and one in a heterozygous state in whom a second variant was not detected (Vargas-Poussou et al. 1998; Puricelli et al. 2010; Wongsaengsak et al. 2017). The p.Ala508Thr variant was absent from 100 controls (Vargas-Poussou et al. 1998; Puricelli et al. 2010) and is reported at a frequency of 0.00009 in the European (non-Finnish) population of the Exome Aggregation Consortium. Functional testing demonstrated that the p.Ala508Thr variant resulted in a protein with reduced sodium uptake activity (Starremans et al. 2003). Based on the evidence, the p.Ala508Thr variant is classified as likely pathogenic for antenatal Bartter syndrome. This variant was observed by ICSL as part of a predisposition screen in an ostensibly healthy population.

Literature cited by the submitters: PubMed 12761241 (cited by 4 submitters); PubMed 28000888 (cited by OLLIN Analises Genomicas, OLLIN and Athena Diagnostics); PubMed 20219833 (cited by 4 submitters); PubMed 9585600 (cited by 4 submitters); PubMed 25326637 (cited by 3 submitters); PubMed 28095294 (cited by 4 submitters); PubMed 33973684 (cited by Labcorp Genetics (formerly Invitae), Labcorp); PubMed 19096086 (cited by Labcorp Genetics (formerly Invitae), Labcorp and Athena Diagnostics); PubMed 30113482 (cited by Athena Diagnostics); PubMed 15167446 (cited by Athena Diagnostics).